The following is an entry in ClinVar:

NM_002880.4(RAF1):c.1921A>G (p.Thr641Ala)

Gene: RAF1 (Raf-1 proto-oncogene, serine/threonine kinase; minus strand). Cytogenetic location: 3p25.2.
Variant type: single nucleotide variant.
Coding change: c.1921A>G on transcript NM_002880.4 (MANE Select); coding-DNA position 1921, A replaced by G.
Protein change: p.Thr641Ala; replaces threonine 641 with alanine.
Molecular consequence: missense variant. On other transcripts: non-coding transcript variant (3).
Genome position (GRCh38, 1-based): chr3:12,584,540, T>C on the plus strand (A>G on the coding strand, the complement: RAF1 is on the minus strand). VCF-style: chr3-12584540-T-C. GRCh37 (hg19) VCF-style: chr3-12626039-T-C.
Other names: c.1981A>G, p.Thr661Ala (NM_001354689.3); c.1921A>G, p.Thr641Ala (NM_001354690.3); c.1678A>G, p.Thr560Ala (NM_001354691.3, NM_001354692.3); c.1822A>G, p.Thr608Ala (NM_001354693.3); c.1738A>G, p.Thr580Ala (NM_001354694.3); c.1579A>G, p.Thr527Ala (NM_001354695.3); short protein forms T527A, T560A, T580A, T608A, T641A, T661A.
Identifiers: ClinVar variation 992259 (VCV000992259.12), dbSNP rs1183812590, ClinGen allele CA351495498.
Genomic context (GRCh38, chr3:12,584,540, plus strand): 5'-TCCCCTGGCAGCCTGAAGACAGGTGCAAAGTCAACTAGAAGACAGGCAGCCTCGGGGACG[T>C]GGTCAGCGTGCAAGCATTGATATCCTCAGTGTGGGCTGCCCGATGCAAGGATGGCTCGGA-3'
Protein context (NP_002871.1, residues 631-648): TEDINACTLT[Thr641Ala]SPRLPVF

ClinVar aggregate classification (germline): Conflicting classifications of pathogenicity. Review status: criteria provided, conflicting classifications (1 of 4 stars). 4 submissions from 4 submitters: Uncertain significance (3); Likely benign (1). Last evaluated 2026-02-02.

Conditions:
Cardiovascular phenotype. Identifiers: MedGen CN230736.
RASopathy. Also called: rasopathies; Noonan spectrum disorder. Identifiers: Orphanet 536391, MedGen C5555857, MONDO:0021060.

Allele frequency attached by ClinVar (database versions not stated): gnomAD exomes below 0.00001; TOPMed 0.00002; gnomAD 0.00003.
gnomAD v4.1: 5 of 1,614,048 alleles (0.00031%); highest among the groups gnomAD compares: African/African-American, 0.0067%; no homozygotes.

Submissions (4):

Labcorp Genetics (formerly Invitae), Labcorp
Classification: Likely benign for RASopathy. Last evaluated: 2026-02-02. Review status: criteria provided, single submitter. Criteria: Invitae Variant Classification Sherloc (09022015). Collection method: clinical testing. Allele origin: germline.

Ambry Genetics
Classification: Uncertain significance for Cardiovascular phenotype. Last evaluated: 2024-05-17. Review status: criteria provided, single submitter. Criteria: Ambry Variant Classification Scheme 2023. Collection method: clinical testing. Allele origin: germline.
Comment: The p.T641A variant (also known as c.1921A>G), located in coding exon 16 of the RAF1 gene, results from an A to G substitution at nucleotide position 1921. The threonine at codon 641 is replaced by alanine, an amino acid with similar properties. This amino acid position is highly conserved in available vertebrate species. In addition, the in silico prediction for this alteration is inconclusive. Based on the available evidence, the clinical significance of this variant remains unclear.

Women's Health and Genetics/Laboratory Corporation of America, LabCorp
Classification: Uncertain significance. Last evaluated: 2020-12-14. Review status: criteria provided, single submitter. Criteria: LabCorp Variant Classification Summary - May 2015. Collection method: clinical testing. Allele origin: germline.
Comment: Variant summary: RAF1 c.1921A>G (p.Thr641Ala) results in a non-conservative amino acid change in the encoded protein sequence. Three of five in-silico tools predict a benign effect of the variant on protein function. The variant was absent in 251256 control chromosomes (gnomAD). The available data on variant occurrences in the general population are insufficient to allow any conclusion about variant significance. To our knowledge, no occurrence of c.1921A>G in individuals affected with Noonan Syndrome and no experimental evidence demonstrating its impact on protein function have been reported. No clinical diagnostic laboratories have submitted clinical-significance assessments for this variant to ClinVar after 2014. Based on the evidence outlined above, the variant was classified as uncertain significance.

GeneDx
Classification: Uncertain significance. Last evaluated: 2020-01-24. Review status: criteria provided, single submitter. Criteria: GeneDx Variant Classification Process June 2021. Collection method: clinical testing. Allele origin: germline. Affected: yes.
Comment: Missense variants in this gene are often considered pathogenic (Stenson 2014); In silico analysis, which includes protein predictors and evolutionary conservation, supports that this variant does not alter protein structure/function; Has not been previously published as pathogenic or benign to our knowledge